The following is an entry in ClinVar:

ClinVar aggregate classification (germline): Uncertain significance (1 of 4 stars; one submission).

Conditions:
Ehlers-Danlos syndrome, classic type, 1 (EDSCL1). Also called: EHLERS-DANLOS SYNDROME, GRAVIS TYPE; EHLERS-DANLOS SYNDROME, SEVERE CLASSIC TYPE; Ehlers-Danlos syndrome, type 1; EDS I; Ehlers-Danlos Syndrome, Classic Type, COL5A1-Related. Identifiers: MedGen C0268335, MONDO:0019567, OMIM 130000.

Submission:

Labcorp Genetics (formerly Invitae), Labcorp
Classification: Uncertain significance for Ehlers-Danlos syndrome, classic type, 1. Last evaluated: 2021-12-18. Review status: criteria provided, single submitter. Criteria: Invitae Variant Classification Sherloc (09022015). Collection method: clinical testing. Allele origin: germline.
Comment: In summary, the available evidence is currently insufficient to determine the role of this variant in disease. Therefore, it has been classified as a Variant of Uncertain Significance. Advanced modeling of protein sequence and biophysical properties (such as structural, functional, and spatial information, amino acid conservation, physicochemical variation, residue mobility, and thermodynamic stability) performed at Invitae indicates that this missense variant is not expected to disrupt COL5A1 protein function. This variant has not been reported in the literature in individuals affected with COL5A1-related conditions. This variant is not present in population databases (gnomAD no frequency). This sequence change replaces alanine, which is neutral and non-polar, with valine, which is neutral and non-polar, at codon 1070 of the COL5A1 protein (p.Ala1070Val).

NM_000093.5(COL5A1):c.3209C>T (p.Ala1070Val)

Gene: COL5A1 (collagen type V alpha 1 chain; plus strand). Cytogenetic location: 9q34.3.
Variant type: single nucleotide variant.
Coding change: c.3209C>T on transcript NM_000093.5 (MANE Select); coding-DNA position 3209, C replaced by T.
Protein change: p.Ala1070Val; replaces alanine 1070 with valine.
Molecular consequence: missense variant.
Genome position (GRCh38, 1-based): chr9:134,805,165, C>T. VCF-style: chr9-134805165-C-T. GRCh37 (hg19) VCF-style: chr9-137697011-C-T.
Other names: c.3209C>T, p.Ala1070Val (NM_001278074.1); short protein forms A1070V.
Identifiers: ClinVar variation 1380186 (VCV001380186.6), dbSNP rs2132827686, ClinGen allele CA375450791.